The following is an entry in ClinVar:

NC_000023.11:g.(?_31121823)_(32849830_?)del

Gene: DMD (dystrophin; minus strand). Cytogenetic location: Xp21.2-21.1.
Variant type: Deletion.
Identifiers: ClinVar variation 832364 (VCV000832364.8).

ClinVar aggregate classification (germline): Pathogenic (1 of 4 stars; one submission).

Conditions:
Duchenne muscular dystrophy (DMD). Also called: Duchenne Muscular Dystrophy (DMD); MUSCULAR DYSTROPHY, PSEUDOHYPERTROPHIC PROGRESSIVE, DUCHENNE TYPE. Identifiers: Orphanet 98896, MedGen C0013264, MONDO:0010679, OMIM 310200.

Submission:

Labcorp Genetics (formerly Invitae), Labcorp
Classification: Pathogenic for Duchenne muscular dystrophy. Last evaluated: 2019-06-14. Review status: criteria provided, single submitter. Criteria: Invitae Variant Classification Sherloc (09022015). Collection method: clinical testing. Allele origin: germline.
Comment: This variant is a gross deletion of the genomic region encompassing exons 3-79 of the DMD gene. The 5' boundary is likely confined to intron 2. The 3' end of this event is unknown as it extends through the termination codon beyond the assayed region for this gene and may encompass additional genes. While this deletion is not anticipated to result in nonsense mediated decay, it is expected to create a truncated protein product or disrupt mRNA translation. This variant has not been reported in the literature in individuals with DMD-related conditions. Sub-genic deletions of exon 13 have been determined to be pathogenic (PMID: 18353051, 22379338, 28116794, 28610567). Therefore, deletions that fully encompass that region are also expected to be pathogenic. For these reasons, this variant has been classified as Pathogenic.

Literature cited by the submitters: PubMed 18353051; PubMed 22379338; PubMed 28116794; PubMed 28610567.